The following is an entry in ClinVar:

Conditions:
Long QT syndrome 5 (LQT5). Identifiers: Orphanet 101016, Orphanet 768, MedGen C1867904, MONDO:0013372, OMIM 613695.

Submission:

Roden Lab, Vanderbilt University Medical Center
No classification provided (evidence only). Condition: Long QT syndrome 5. Review status: no classification provided. Collection method: in vitro. Allele origin: not applicable. Functional consequence: Effect on ion channel function.
ClinVar note: "not provided" was previously submitted as the classification for the variant. However, the classification appeared to be based only on an observation of functional data so it was converted to no classification on 2025-07-30.

NM_000219.6(KCNE1):c.145A>T (p.Met49Leu)

Gene: KCNE1 (potassium voltage-gated channel subfamily E regulatory subunit 1; minus strand). Cytogenetic location: 21q22.12.
Variant type: single nucleotide variant.
Coding change: c.145A>T on transcript NM_000219.6 (MANE Select); coding-DNA position 145, A replaced by T.
Protein change: p.Met49Leu; replaces methionine 49 with leucine.
Molecular consequence: missense variant.
Genome position (GRCh38, 1-based): chr21:34,449,490, T>A on the plus strand (A>T on the coding strand, the complement: KCNE1 is on the minus strand). VCF-style: chr21-34449490-T-A. GRCh37 (hg19) VCF-style: chr21-35821788-T-A.
Other names: c.145A>T, p.Met49Leu (NM_001127668.4, NM_001127669.4, NM_001127670.4 and 4 more transcripts); short protein forms M49L.
Identifiers: ClinVar variation 3374165 (VCV003374165.2).